The following is an entry in ClinVar:

ClinVar aggregate classification (germline): Uncertain significance (1 of 4 stars; one submission).

Submission:

Labcorp Genetics (formerly Invitae), Labcorp
Classification: Uncertain significance. Last evaluated: 2021-04-06. Review status: criteria provided, single submitter. Criteria: Invitae Variant Classification Sherloc (09022015). Collection method: clinical testing. Allele origin: germline.
Comment: In summary, the available evidence is currently insufficient to determine the role of this variant in disease. Therefore, it has been classified as a Variant of Uncertain Significance. Advanced modeling of protein sequence and biophysical properties (such as structural, functional, and spatial information, amino acid conservation, physicochemical variation, residue mobility, and thermodynamic stability) performed at Invitae indicates that this missense variant is not expected to disrupt ABCC6 protein function. This variant has not been reported in the literature in individuals with ABCC6-related conditions. This variant is not present in population databases (ExAC no frequency). This sequence change replaces valine with glutamic acid at codon 1057 of the ABCC6 protein (p.Val1057Glu). The valine residue is weakly conserved and there is a moderate physicochemical difference between valine and glutamic acid.

NM_001171.6(ABCC6):c.3170T>A (p.Val1057Glu)

Gene: ABCC6 (ATP binding cassette subfamily C member 6; minus strand). Cytogenetic location: 16p13.11.
Variant type: single nucleotide variant.
Coding change: c.3170T>A on transcript NM_001171.6 (MANE Select); coding-DNA position 3170, T replaced by A.
Protein change: p.Val1057Glu; replaces valine 1057 with glutamic acid.
Molecular consequence: missense variant. On other transcripts: non-coding transcript variant (1).
Genome position (GRCh38, 1-based): chr16:16,165,759, A>T on the plus strand (T>A on the coding strand, the complement: ABCC6 is on the minus strand). VCF-style: chr16-16165759-A-T. GRCh37 (hg19) VCF-style: chr16-16259616-A-T.
Other names: c.2828T>A, p.Val943Glu (NM_001351800.1); short protein forms V1057E, V943E.
Identifiers: ClinVar variation 1509848 (VCV001509848.8), dbSNP rs759678455, ClinGen allele CA394883080.